The following is an entry in ClinVar:

ClinVar aggregate classification (germline): Uncertain significance. Review status: criteria provided, multiple submitters, no conflicts (2 of 4 stars). 2 submissions from 2 submitters: Uncertain significance (2). Last evaluated 2025-11-26.

Conditions:
Inborn genetic diseases. Identifiers: MedGen C0950123, MeSH D030342.

Submissions (2):

Ambry Genetics
Classification: Uncertain significance for Inborn genetic diseases. Last evaluated: 2025-11-26. Review status: criteria provided, single submitter. Criteria: Ambry Variant Classification Scheme 2023. Collection method: clinical testing. Allele origin: germline.

Labcorp Genetics (formerly Invitae), Labcorp
Classification: Uncertain significance. Last evaluated: 2021-04-18. Review status: criteria provided, single submitter. Criteria: Invitae Variant Classification Sherloc (09022015). Collection method: clinical testing. Allele origin: germline.
Comment: In summary, the available evidence is currently insufficient to determine the role of this variant in disease. Therefore, it has been classified as a Variant of Uncertain Significance. This sequence change replaces valine with leucine at codon 797 of the SLC12A6 protein (p.Val797Leu). The valine residue is moderately conserved and there is a small physicochemical difference between valine and leucine. This variant is not present in population databases (ExAC no frequency). This variant has not been reported in the literature in individuals with SLC12A6-related conditions. Advanced modeling of protein sequence and biophysical properties (such as structural, functional, and spatial information, amino acid conservation, physicochemical variation, residue mobility, and thermodynamic stability) performed at Invitae indicates that this missense variant is not expected to disrupt SLC12A6 protein function.

NM_001365088.1(SLC12A6):c.2389G>T (p.Val797Leu)

Gene: SLC12A6 (solute carrier family 12 member 6; minus strand). Cytogenetic location: 15q14.
Variant type: single nucleotide variant.
Coding change: c.2389G>T on transcript NM_001365088.1 (MANE Select); coding-DNA position 2389, G replaced by T.
Protein change: p.Val797Leu; replaces valine 797 with leucine.
Molecular consequence: missense variant.
Genome position (GRCh38, 1-based): chr15:34,240,708, C>A on the plus strand (G>T on the coding strand, the complement: SLC12A6 is on the minus strand). VCF-style: chr15-34240708-C-A. GRCh37 (hg19) VCF-style: chr15-34532909-C-A.
Other names: c.2212G>T, p.Val738Leu (NM_001042494.2, NM_001042495.2); c.2362G>T, p.Val788Leu (NM_001042496.2); c.2344G>T, p.Val782Leu (NM_001042497.2); c.2236G>T, p.Val746Leu (NM_005135.2); c.2389G>T, p.Val797Leu (NM_133647.2); c.2389G>T (NM_133647.1); short protein forms V797L, V738L, V788L, V746L, V782L.
Identifiers: ClinVar variation 1513307 (VCV001513307.9), dbSNP rs1302200388, ClinGen allele CA391619644.